The following is an entry in ClinVar:

NM_004795.4(KL):c.2762C>G (p.Thr921Arg)

Gene: KL (klotho; plus strand). Cytogenetic location: 13q13.1.
Variant type: single nucleotide variant.
Coding change: c.2762C>G on transcript NM_004795.4 (MANE Select); coding-DNA position 2762, C replaced by G.
Protein change: p.Thr921Arg; replaces threonine 921 with arginine.
Molecular consequence: missense variant.
Genome position (GRCh38, 1-based): chr13:33,063,909, C>G. VCF-style: chr13-33063909-C-G. GRCh37 (hg19) VCF-style: chr13-33638046-C-G.
Other names: short protein forms T921R.
Identifiers: ClinVar variation 4804279 (VCV004804279.1).
Genomic context (GRCh38, chr13:33,063,909, plus strand): 5'-CCCACATACTGGATGGTATCAATCTTTGCGGATACTTTGCTTATTCGTTTAACGACCGCA[C>G]AGCTCCGAGGTTTGGCCTCTATCGTTATGCTGCAGATCAGTTTGAGCCCAAGGCATCCAT-3'
Protein context (NP_004786.2, residues 911-931): GYFAYSFNDR[Thr921Arg]APRFGLYRYA

ClinVar aggregate classification (germline): Uncertain significance (1 of 4 stars; one submission).

gnomAD v4.1: 4 of 1,614,216 alleles (0.00025%); highest among the groups gnomAD compares: Non-Finnish European, 0.00034%; no homozygotes.

Submission:

Labcorp Genetics (formerly Invitae), Labcorp
Classification: Uncertain significance. Last evaluated: 2025-07-11. Review status: criteria provided, single submitter. Criteria: Invitae Variant Classification Sherloc (09022015). Collection method: clinical testing. Allele origin: germline.
Comment: This sequence change replaces threonine, which is neutral and polar, with arginine, which is basic and polar, at codon 921 of the KL protein (p.Thr921Arg). This variant is present in population databases (rs200953302, gnomAD 0.0009%). This variant has not been reported in the literature in individuals affected with KL-related conditions. Invitae Evidence Modeling of protein sequence and biophysical properties (such as structural, functional, and spatial information, amino acid conservation, physicochemical variation, residue mobility, and thermodynamic stability) indicates that this missense variant is not expected to disrupt KL protein function with a negative predictive value of 80%. In summary, the available evidence is currently insufficient to determine the role of this variant in disease. Therefore, it has been classified as a Variant of Uncertain Significance.